The following is an entry in ClinVar:

ClinVar aggregate classification (germline): Likely benign (1 of 4 stars; one submission).

gnomAD v4.1: 4 of 1,614,022 alleles (0.00025%); highest among the groups gnomAD compares: African/African-American, 0.0053%; no homozygotes.

Submission:

CeGaT Center for Human Genetics Tuebingen
Classification: Likely benign. Last evaluated: 2025-05-01. Review status: criteria provided, single submitter. Criteria: CeGaT Center For Human Genetics Tuebingen Variant Classification Criteria Version 2. Collection method: clinical testing. Allele origin: germline. Affected: yes. Observed: 1 variant allele.
Comment: FAM120B: BP4, BP7

NM_032448.3(FAM120B):c.69C>T (p.Phe23=)

Gene: FAM120B (family with sequence similarity 120 member B; plus strand). Cytogenetic location: 6q27.
Variant type: single nucleotide variant.
Coding change: c.69C>T on transcript NM_032448.3 (MANE Select); coding-DNA position 69, C replaced by T.
Protein change: p.Phe23=; no amino-acid change (phenylalanine 23 retained).
Molecular consequence: synonymous variant. On other transcripts: intron variant (1).
Genome position (GRCh38, 1-based): chr6:170,317,459, C>T. VCF-style: chr6-170317459-C-T. GRCh37 (hg19) VCF-style: chr6-170626547-C-T.
Other names: c.105C>T, p.Phe35= (NM_001286379.2); c.138C>T, p.Phe46= (NM_001286380.2); c.-90+10617C>T (NM_001286381.2).
Identifiers: ClinVar variation 3905881 (VCV003905881.10).